The following is an entry in ClinVar:

ClinVar aggregate classification (germline): Uncertain significance (1 of 4 stars; one submission).

Conditions:
Brody myopathy. Also called: BRODY DISEASE. Identifiers: Orphanet 53347, MedGen C1832918, MONDO:0010977, OMIM 601003.

Submission:

Labcorp Genetics (formerly Invitae), Labcorp
Classification: Uncertain significance for Brody myopathy. Last evaluated: 2022-03-27. Review status: criteria provided, single submitter. Criteria: Invitae Variant Classification Sherloc (09022015). Collection method: clinical testing. Allele origin: germline.
Comment: In summary, the available evidence is currently insufficient to determine the role of this variant in disease. Therefore, it has been classified as a Variant of Uncertain Significance. Algorithms developed to predict the effect of missense changes on protein structure and function are either unavailable or do not agree on the potential impact of this missense change (SIFT: "Deleterious"; PolyPhen-2: "Probably Damaging"; Align-GVGD: "Class C15"). This variant has not been reported in the literature in individuals affected with ATP2A1-related conditions. This variant is not present in population databases (gnomAD no frequency). This sequence change replaces cysteine, which is neutral and slightly polar, with tryptophan, which is neutral and slightly polar, at codon 417 of the ATP2A1 protein (p.Cys417Trp).

NM_004320.6(ATP2A1):c.1251T>G (p.Cys417Trp)

Gene: ATP2A1 (ATPase sarcoplasmic/endoplasmic reticulum Ca2+ transporting 1; plus strand). Cytogenetic location: 16p11.2.
Variant type: single nucleotide variant.
Coding change: c.1251T>G on transcript NM_004320.6 (MANE Select); coding-DNA position 1251, T replaced by G.
Protein change: p.Cys417Trp; replaces cysteine 417 with tryptophan.
Molecular consequence: missense variant.
Genome position (GRCh38, 1-based): chr16:28,894,571, T>G. VCF-style: chr16-28894571-T-G. GRCh37 (hg19) VCF-style: chr16-28905892-T-G.
Other names: c.876T>G, p.Cys292Trp (NM_001286075.2); c.1251T>G, p.Cys417Trp (NM_173201.5); short protein forms C417W, C292W.
Identifiers: ClinVar variation 2118260 (VCV002118260.4), dbSNP rs2506317370, ClinGen allele CA395407425.
Genomic context (GRCh38, chr16:28,894,571, plus strand): 5'-GAATGATAAGCCAGTCCGGCCAGGGCAGTATGACGGGCTGGTGGAGCTGGCCACCATCTG[T>G]GCCCTCTGCAATGACTCCTCCTTGGACTTCAACGAGGTAACCTCTCCTTCCCCTTCCAGT-3'
Protein context (NP_004311.1, residues 407-427): YDGLVELATI[Cys417Trp]ALCNDSSLDF